The following is an entry in ClinVar:

NM_017755.6(NSUN2):c.2223C>T (p.Pro741=)

Gene: NSUN2 (NOP2/Sun RNA methyltransferase 2; minus strand). Cytogenetic location: 5p15.31.
Variant type: single nucleotide variant.
Coding change: c.2223C>T on transcript NM_017755.6 (MANE Select); coding-DNA position 2223, C replaced by T.
Protein change: p.Pro741=; no amino-acid change (proline 741 retained).
Molecular consequence: synonymous variant. On other transcripts: non-coding transcript variant (1).
Genome position (GRCh38, 1-based): chr5:6,600,007, G>A on the plus strand (C>T on the coding strand, the complement: NSUN2 is on the minus strand). VCF-style: chr5-6600007-G-A. GRCh37 (hg19) VCF-style: chr5-6600120-G-A.
Other names: c.2118C>T, p.Pro706= (NM_001193455.2).
Identifiers: ClinVar variation 733651 (VCV000733651.48), dbSNP rs137999360, ClinGen allele CA3192148.
Genomic context (GRCh38, chr5:6,600,007, plus strand): 5'-CGCCGGGTCACAGCCTGCTGTCACGTCTGGACTGTTGGCCTCTTCTGCATCTGGGCTGTT[G>A]GGCTCTCCTGCTCTCTGTCCCTCAGTCACGTCATTGTCTGGCTGTCCGGTGCTGGCTGCA-3'
Protein context (NP_060225.4, residues 731-751): DVTEGQRAGE[Pro741=]NSPDAEEANS

ClinVar aggregate classification (germline): Benign/Likely benign. Review status: criteria provided, multiple submitters, no conflicts (2 of 4 stars). 6 submissions from 6 submitters: Benign (1); Likely benign (5). Last evaluated 2026-02-01.

Conditions:
Inborn genetic diseases. Identifiers: MedGen C0950123, MeSH D030342.

Allele frequency attached by ClinVar (database versions not stated): gnomAD exomes 0.00019 and 0.00054; ExAC 0.00068; gnomAD 0.00205 and 0.00213; TOPMed 0.00223; ESP Exome Variant Server 0.00246; 1000 Genomes Project 0.00399; 1000 Genomes Project 30x 0.00437.
gnomAD v4.1: 618 of 1,614,188 alleles (0.038%); highest among the groups gnomAD compares: African/African-American, 0.68%; 2 homozygotes.

Submissions (6):

CeGaT Center for Human Genetics Tuebingen
Classification: Likely benign. Last evaluated: 2026-02-01. Review status: criteria provided, single submitter. Criteria: CeGaT Center For Human Genetics Tuebingen Variant Classification Criteria Version 2. Collection method: clinical testing. Allele origin: germline. Affected: yes. Observed: 2 variant alleles.
Comment: NSUN2: BP4, BP7

Labcorp Genetics (formerly Invitae), Labcorp
Classification: Benign. Last evaluated: 2026-01-19. Review status: criteria provided, single submitter. Criteria: Invitae Variant Classification Sherloc (09022015). Collection method: clinical testing. Allele origin: germline.

Blueprint Genetics
Classification: Likely benign. Last evaluated: 2024-10-22. Review status: criteria provided, single submitter. Criteria: ACMG Guidelines, 2015. Collection method: clinical testing. Allele origin: germline.

GeneDx
Classification: Likely benign. Last evaluated: 2021-08-26. Review status: criteria provided, single submitter. Criteria: GeneDx Variant Classification Process June 2021. Collection method: clinical testing. Allele origin: germline. Affected: yes.

Ambry Genetics
Classification: Likely benign for Inborn genetic diseases. Last evaluated: 2017-10-12. Review status: criteria provided, single submitter. Criteria: Ambry Variant Classification Scheme 2023. Collection method: clinical testing. Allele origin: germline.

Breakthrough Genomics
Classification: Likely benign. Review status: criteria provided, single submitter. Criteria: ACMG Guidelines, 2015. Collection method: not provided. Allele origin: germline. Inheritance: Autosomal recessive inheritance. Affected: yes.